The following is an entry in ClinVar:

ClinVar aggregate classification (germline): Uncertain significance (1 of 4 stars; one submission).

Submission:

Labcorp Genetics (formerly Invitae), Labcorp
Classification: Uncertain significance. Last evaluated: 2022-01-21. Review status: criteria provided, single submitter. Criteria: Invitae Variant Classification Sherloc (09022015). Collection method: clinical testing. Allele origin: germline.
Comment: This variant, c.2143_2145dup, results in the insertion of 1 amino acid(s) of the PTPN23 protein (p.Lys715dup), but otherwise preserves the integrity of the reading frame. This variant is not present in population databases (gnomAD no frequency). This variant has not been reported in the literature in individuals affected with PTPN23-related conditions. In summary, the available evidence is currently insufficient to determine the role of this variant in disease. Therefore, it has been classified as a Variant of Uncertain Significance.

NM_015466.4(PTPN23):c.2137AAG[4] (p.Lys715_Pro716insLys)

Gene: PTPN23 (protein tyrosine phosphatase non-receptor type 23; plus strand). Cytogenetic location: 3p21.31.
Variant type: Microsatellite.
Coding change: c.2137AAG[4] on transcript NM_015466.4 (MANE Select); four copies in a row of the 3-base unit AAG starting at c.2137; the reference has three copies in a row; one copy, 3 bases duplicated.
Protein change: p.Lys715_Pro716insLys.
Molecular consequence: inframe insertion.
Genome position (GRCh38, 1-based): chr3:47,409,941-47,409,943, AAG duplicated; duplicating any 3 consecutive bases within chr3:47,409,934-47,409,943 gives the same sequence; the position shown is the placement nearest the transcript's 3' end. VCF-style (leftmost placement, unchanged base first): chr3-47409933-T-TGAA. GRCh37 (hg19) VCF-style: chr3-47451423-T-TGAA.
Other names: c.1759AAG[4], p.Lys589_Pro590insLys (NM_001304482.2).
Identifiers: ClinVar variation 1921496 (VCV001921496.2), dbSNP rs751441543, ClinGen allele CA433604895.